The following is an entry in ClinVar:

ClinVar aggregate classification (germline): Pathogenic (1 of 4 stars; one submission).

Submission:

ISCA site 15
Classification: Pathogenic. Last evaluated: 2011-08-12. Review status: criteria provided, single submitter. Criteria: Kaminsky et al. (Genet Med. 2011). Collection method: clinical testing. Allele origin: maternal. Affected: yes. Observed: 1 variant allele.
Comment: Copy number variation identified through the course of routine clinical cytogenomic testing in postnatal populations. Clinical assertions have been curated as described in Kaminsky et al. 2011.

GRCh38/hg38 18p11.32-11.31(chr18:2547398-6694867)x1

Genes: AKAIN1 (A-kinase anchor inhibitor 1; minus strand), DLGAP1 (DLG associated protein 1; minus strand), DLGAP1-AS1 (DLGAP1 antisense RNA 1; plus strand), DLGAP1-AS2 (DLGAP1 antisense RNA 2; plus strand), DLGAP1-AS3 (DLGAP1 antisense RNA 3; plus strand) and 107 more. Cytogenetic location: 18p11.32-11.31.
Variant type: copy number loss.
Change: copy number 1 (one copy instead of two) of chr18:2,547,398-6,694,867 (4.15 Mb, GRCh38 coordinates, 1-based), cytogenetic band 18p11.32-11.31.
Identifiers: ClinVar variation 59917 (VCV000059917.1).